The following is an entry in ClinVar:

NM_006231.4(POLE):c.19G>A (p.Gly7Arg)

Genes: POLE (DNA polymerase epsilon, catalytic subunit; minus strand), LOC130009266 (ATAC-STARR-seq lymphoblastoid silent region 5123; plus strand). Cytogenetic location: 12q24.33.
Variant type: single nucleotide variant.
Coding change: c.19G>A on transcript NM_006231.4 (MANE Select); coding-DNA position 19, G replaced by A.
Protein change: p.Gly7Arg; replaces glycine 7 with arginine.
Molecular consequence: missense variant.
Genome position (GRCh38, 1-based): chr12:132,687,297, C>T on the plus strand (G>A on the coding strand, the complement: POLE is on the minus strand). VCF-style: chr12-132687297-C-T. GRCh37 (hg19) VCF-style: chr12-133263883-C-T.
Other names: short protein forms G7R.
Identifiers: ClinVar variation 540745 (VCV000540745.7), dbSNP rs771930571, ClinGen allele CA387373492.

ClinVar aggregate classification (germline): Uncertain significance (1 of 4 stars; one submission).

Submission:

Labcorp Genetics (formerly Invitae), Labcorp
Classification: Uncertain significance. Last evaluated: 2023-04-15. Review status: criteria provided, single submitter. Criteria: Invitae Variant Classification Sherloc (09022015). Collection method: clinical testing. Allele origin: germline.
Comment: This sequence change replaces glycine, which is neutral and non-polar, with arginine, which is basic and polar, at codon 7 of the POLE protein (p.Gly7Arg). This variant is not present in population databases (gnomAD no frequency). This variant has not been reported in the literature in individuals affected with POLE-related conditions. ClinVar contains an entry for this variant (Variation ID: 540745). Experimental studies and prediction algorithms are not available or were not evaluated, and the functional significance of this variant is currently unknown. In summary, the available evidence is currently insufficient to determine the role of this variant in disease. Therefore, it has been classified as a Variant of Uncertain Significance.